The following is an entry in ClinVar:

ClinVar aggregate classification (germline): Uncertain significance (1 of 4 stars; one submission).

Submission:

Labcorp Genetics (formerly Invitae), Labcorp
Classification: Uncertain significance. Last evaluated: 2022-03-01. Review status: criteria provided, single submitter. Criteria: Invitae Variant Classification Sherloc (09022015). Collection method: clinical testing. Allele origin: germline.
Comment: This sequence change replaces alanine, which is neutral and non-polar, with lysine, which is basic and polar, at codon 404 of the SAMD11 protein (p.Ala404Lys). Information on the frequency of this variant in the gnomAD database is not available, as this variant may be reported differently in the database. This variant has not been reported in the literature in individuals affected with SAMD11-related conditions. Algorithms developed to predict the effect of missense changes on protein structure and function are either unavailable or do not agree on the potential impact of this missense change (SIFT: "Not Available"; PolyPhen-2: "Benign"; Align-GVGD: "Not Available"). In summary, the available evidence is currently insufficient to determine the role of this variant in disease. Therefore, it has been classified as a Variant of Uncertain Significance.

NM_001385641.1(SAMD11):c.1699_1700delinsAA (p.Ala567Lys)

Gene: SAMD11 (sterile alpha motif domain containing 11; plus strand). Cytogenetic location: 1p36.33.
Variant type: Indel.
Coding change: c.1699_1700delinsAA on transcript NM_001385641.1 (MANE Select); coding-DNA positions 1699 to 1700, GC replaced by AA.
Protein change: p.Ala567Lys; replaces alanine 567 with lysine.
Molecular consequence: missense variant.
Genome position (GRCh38, 1-based): chr1:942,704-942,705, GC replaced by AA. VCF-style: chr1-942704-GC-AA. GRCh37 (hg19) VCF-style: chr1-878084-GC-AA.
Other names: c.1702_1703delinsAA, p.Ala568Lys (NM_001385640.1); c.1210_1211delinsAA, p.Ala404Lys (NM_152486.4); short protein forms A568K, A567K, A404K.
Identifiers: ClinVar variation 2159195 (VCV002159195.1), dbSNP rs2522713981, ClinGen allele CA2580062494.